The following is an entry in ClinVar:

ClinVar aggregate classification (germline): Benign/Likely benign. Review status: criteria provided, multiple submitters, no conflicts (2 of 4 stars). 6 submissions from 6 submitters: Benign (1); Likely benign (4). 1 of the submissions does not count toward it. Last evaluated 2025-12-29.

Conditions:
ANKS6-related disorder. Also called: ANKS6-related condition.
Nephronophthisis 16 (NPHP16). Identifiers: Orphanet 655, MedGen C3809320, MONDO:0014158, OMIM 615382.

Allele frequency attached by ClinVar (database versions not stated): gnomAD exomes 0.00060; 1000 Genomes Project 30x 0.00062; 1000 Genomes Project 0.00080; gnomAD 0.00107 and 0.00113; TOPMed 0.00120; ESP Exome Variant Server 0.00171.
gnomAD v4.1: 1,095 of 1,611,234 alleles (0.068%); highest among the groups gnomAD compares: African/African-American, 0.16%; 4 homozygotes.

Submissions (6):

Labcorp Genetics (formerly Invitae), Labcorp
Classification: Benign for Nephronophthisis 16. Last evaluated: 2025-12-29. Review status: criteria provided, single submitter. Criteria: Invitae Variant Classification Sherloc (09022015). Collection method: clinical testing. Allele origin: germline.

CeGaT Center for Human Genetics Tuebingen
Classification: Likely benign. Last evaluated: 2025-10-01. Review status: criteria provided, single submitter. Criteria: CeGaT Center For Human Genetics Tuebingen Variant Classification Criteria Version 2. Collection method: clinical testing. Allele origin: germline. Affected: yes. Observed: 3 variant alleles.
Comment: ANKS6: BP4, BP7

Fulgent Genetics
Classification: Likely benign for Nephronophthisis 16. Last evaluated: 2021-08-02. Review status: criteria provided, single submitter. Criteria: ACMG Guidelines, 2015. Collection method: clinical testing. Allele origin: unknown.

GeneDx
Classification: Likely benign. Last evaluated: 2020-03-26. Review status: criteria provided, single submitter. Criteria: GeneDx Variant Classification Process June 2021. Collection method: clinical testing. Allele origin: germline. Affected: yes.

Breakthrough Genomics
Classification: Likely benign. Review status: criteria provided, single submitter. Criteria: ACMG Guidelines, 2015. Collection method: not provided. Allele origin: germline. Inheritance: Autosomal recessive inheritance. Affected: yes.

PreventionGenetics, part of Exact Sciences
Classification: Likely benign for ANKS6-related condition. Last evaluated: 2019-04-05. Review status: no assertion criteria provided. Collection method: clinical testing. Allele origin: germline. Not counted in ClinVar's aggregate classification.
Comment: This variant is classified as likely benign based on ACMG/AMP sequence variant interpretation guidelines (Richards et al. 2015 PMID: 25741868, with internal and published modifications).

NM_173551.5(ANKS6):c.1008G>A (p.Thr336=)

Gene: ANKS6 (ankyrin repeat and sterile alpha motif domain containing 6; minus strand). Cytogenetic location: 9q22.33.
Variant type: single nucleotide variant.
Coding change: c.1008G>A on transcript NM_173551.5 (MANE Select); coding-DNA position 1008, G replaced by A.
Protein change: p.Thr336=; no amino-acid change (threonine 336 retained).
Molecular consequence: synonymous variant.
Genome position (GRCh38, 1-based): chr9:98,784,057, C>T on the plus strand (G>A on the coding strand, the complement: ANKS6 is on the minus strand). VCF-style: chr9-98784057-C-T. GRCh37 (hg19) VCF-style: chr9-101546339-C-T.
Identifiers: ClinVar variation 541406 (VCV000541406.44), dbSNP rs373872443, ClinGen allele CA5153653.